The following is an entry in ClinVar:

NM_021831.6(AGBL5):c.961G>A (p.Val321Ile)

Gene: AGBL5 (AGBL carboxypeptidase 5; plus strand). Cytogenetic location: 2p23.3.
Variant type: single nucleotide variant.
Coding change: c.961G>A on transcript NM_021831.6 (MANE Select); coding-DNA position 961, G replaced by A.
Protein change: p.Val321Ile; replaces valine 321 with isoleucine.
Molecular consequence: missense variant. On other transcripts: non-coding transcript variant (2).
Genome position (GRCh38, 1-based): chr2:27,055,734, G>A. VCF-style: chr2-27055734-G-A. GRCh37 (hg19) VCF-style: chr2-27278602-G-A.
Other names: c.961G>A, p.Val321Ile (NM_001035507.3); short protein forms V321I.
Identifiers: ClinVar variation 1520402 (VCV001520402.6), dbSNP rs755544280, ClinGen allele CA1567776.

ClinVar aggregate classification (germline): Conflicting classifications of pathogenicity. Review status: criteria provided, conflicting classifications (1 of 4 stars). 4 submissions from 4 submitters: Uncertain significance (2); Likely benign (1). 1 of the submissions does not count toward it. Last evaluated 2023-10-01.

Conditions:
Retinal dystrophy. Also called: Inherited retinal dystrophy. Identifiers: Orphanet 71862, MedGen C0854723, MeSH D058499, MONDO:0019118, HP:0000556.

Allele frequency attached by ClinVar (database versions not stated): gnomAD 0.00001 and 0.00004; TOPMed 0.00001; ExAC 0.00010; gnomAD exomes 0.00011.
gnomAD v4.1: 70 of 1,613,968 alleles (0.0043%); highest among the groups gnomAD compares: South Asian, 0.059%; no homozygotes.

Submissions (4):

Dept Of Ophthalmology, Nagoya University
Classification: Uncertain significance for Retinal dystrophy. Last evaluated: 2023-10-01. Review status: criteria provided, single submitter. Criteria: Submitter's publication. Collection method: research. Allele origin: germline. Affected: yes.

Blueprint Genetics
Classification: Likely benign. Last evaluated: 2023-03-22. Review status: criteria provided, single submitter. Criteria: ACMG Guidelines, 2015. Collection method: clinical testing. Allele origin: germline.

Labcorp Genetics (formerly Invitae), Labcorp
Classification: Uncertain significance. Last evaluated: 2022-06-13. Review status: criteria provided, single submitter. Criteria: Invitae Variant Classification Sherloc (09022015). Collection method: clinical testing. Allele origin: germline.
Comment: This sequence change replaces valine, which is neutral and non-polar, with isoleucine, which is neutral and non-polar, at codon 321 of the AGBL5 protein (p.Val321Ile). This variant is present in population databases (rs755544280, gnomAD 0.07%). This variant has not been reported in the literature in individuals affected with AGBL5-related conditions. Algorithms developed to predict the effect of missense changes on protein structure and function output the following: SIFT: "Tolerated"; PolyPhen-2: "Benign"; Align-GVGD: "Class C0". The isoleucine amino acid residue is found in multiple mammalian species, which suggests that this missense change does not adversely affect protein function. In summary, the available evidence is currently insufficient to determine the role of this variant in disease. Therefore, it has been classified as a Variant of Uncertain Significance.

Institute of Human Genetics, Univ. Regensburg, Univ. Regensburg
Classification: Uncertain significance for Retinal dystrophy. Last evaluated: 2023-01-01. Review status: no assertion criteria provided. Criteria: ACMG Guidelines, 2015. Collection method: clinical testing. Allele origin: germline. Affected: yes. Not counted in ClinVar's aggregate classification.